The following is an entry in ClinVar:

NM_000969.5(RPL5):c.737C>G (p.Ala246Gly)

Genes: DIPK1A (divergent protein kinase domain 1A; minus strand), RPL5 (ribosomal protein L5; plus strand). Cytogenetic location: 1p22.1.
Variant type: single nucleotide variant.
Coding change: c.737C>G on transcript NM_000969.5 (MANE Select); coding-DNA position 737, C replaced by G.
Protein change: p.Ala246Gly; replaces alanine 246 with glycine.
Molecular consequence: missense variant. On other transcripts: non-coding transcript variant (1), intron variant (1).
Genome position (GRCh38, 1-based): chr1:92,840,582, C>G. VCF-style: chr1-92840582-C-G. GRCh37 (hg19) VCF-style: chr1-93306139-C-G.
Other names: c.474+6601G>C (NM_001252273.2); short protein forms A246G.
Identifiers: ClinVar variation 4076855 (VCV004076855.1).

ClinVar aggregate classification (germline): Uncertain significance (1 of 4 stars; one submission).

Submission:

GeneDx
Classification: Uncertain significance. Last evaluated: 2025-02-19. Review status: criteria provided, single submitter. Criteria: GeneDx Variant Classification Process June 2021. Collection method: clinical testing. Allele origin: germline. Affected: yes.
Comment: Not observed at significant frequency in large population cohorts (gnomAD); In silico analysis supports that this missense variant has a deleterious effect on protein structure/function; Has not been previously published as pathogenic or benign to our knowledge